The following is an entry in ClinVar:

ClinVar aggregate classification (germline): Benign/Likely benign. Review status: criteria provided, multiple submitters, no conflicts (2 of 4 stars). 4 submissions from 4 submitters: Benign (1); Likely benign (3). Last evaluated 2025-08-01.

Conditions:
Hereditary cancer-predisposing syndrome. Also called: Tumor predisposition; Hereditary neoplastic syndrome; Neoplastic Syndromes, Hereditary; Hereditary Cancer Syndrome. Identifiers: Orphanet 140162, MedGen C0027672, MeSH D009386, MONDO:0015356.
Breast-ovarian cancer, familial, susceptibility to, 3. Also called: RAD51C-Related Breast/Ovarian Cancer. Identifiers: Orphanet 145, MedGen C3150659, MONDO:0013253, OMIM 613399.
Fanconi anemia complementation group O. Also called: RAD51C-Related Fanconi Anemia. Identifiers: Orphanet 84, MedGen C3150653, MONDO:0013248, OMIM 613390.

Allele frequency attached by ClinVar (database versions not stated): gnomAD below 0.00001 and 0.00001; ExAC 0.00001; gnomAD exomes 0.00001.
gnomAD v4.1: 14 of 1,611,432 alleles (0.00087%); highest among the groups gnomAD compares: South Asian, 0.014%; no homozygotes.

Submissions (4):

Ambry Genetics
Classification: Likely benign for Hereditary cancer-predisposing syndrome. Last evaluated: 2025-08-01. Review status: criteria provided, single submitter. Criteria: Ambry Variant Classification Scheme 2023. Collection method: clinical testing. Allele origin: germline.

Labcorp Genetics (formerly Invitae), Labcorp
Classification: Likely benign for Fanconi anemia complementation group O. Last evaluated: 2025-02-27. Review status: criteria provided, single submitter. Criteria: Invitae Variant Classification Sherloc (09022015). Collection method: clinical testing. Allele origin: germline.

Myriad Genetics, Inc.
Classification: Benign for Breast-ovarian cancer, familial, susceptibility to, 3. Last evaluated: 2025-02-19. Review status: criteria provided, single submitter. Criteria: Myriad Autosomal Dominant, Autosomal Recessive and X-Linked Classification Criteria (2023). Collection method: clinical testing. Allele origin: unknown.
Comment: This variant is considered benign. This variant is a silent/synonymous amino acid change and it is not expected to impact splicing.

Color Diagnostics, LLC DBA Color Health
Classification: Likely benign for Hereditary cancer-predisposing syndrome. Last evaluated: 2023-12-05. Review status: criteria provided, single submitter. Criteria: ACMG Guidelines, 2015. Collection method: clinical testing. Allele origin: germline.

NM_058216.3(RAD51C):c.1023C>A (p.Ile341=)

Gene: RAD51C (RAD51 paralog C; plus strand). Cytogenetic location: 17q22.
Variant type: single nucleotide variant.
Coding change: c.1023C>A on transcript NM_058216.3 (MANE Select); coding-DNA position 1023, C replaced by A.
Protein change: p.Ile341=; no amino-acid change (isoleucine 341 retained).
Molecular consequence: synonymous variant. On other transcripts: non-coding transcript variant (1).
Genome position (GRCh38, 1-based): chr17:58,732,541, C>A. VCF-style: chr17-58732541-C-A. GRCh37 (hg19) VCF-style: chr17-56809902-C-A.
Other names: c.1023C>A (NM_058216.1).
Identifiers: ClinVar variation 927536 (VCV000927536.8), dbSNP rs775672074, ClinGen allele CA8677388.